The following is an entry in ClinVar:

ClinVar aggregate classification (germline): Benign/Likely benign. Review status: criteria provided, multiple submitters, no conflicts (2 of 4 stars). 6 submissions from 6 submitters: Benign (4); Likely benign (2). Last evaluated 2026-02-02.

Conditions:
Autosomal recessive nonsyndromic hearing loss 9. Also called: Deafness, autosomal recessive 9; AUDITORY NEUROPATHY, AUTOSOMAL RECESSIVE, 1, TEMPERATURE-SENSITIVE; NEUROSENSORY NONSYNDROMIC RECESSIVE DEAFNESS 9; OTOF-Related Hearing Loss. Identifiers: Orphanet 90636, MedGen C1832828, MONDO:0010986, OMIM 601071.

Allele frequency attached by ClinVar (database versions not stated): gnomAD exomes 0.00967; ExAC 0.01224; gnomAD 0.03701 and 0.03958; TOPMed 0.03956; ESP Exome Variant Server 0.04193; 1000 Genomes Project 0.04353; 1000 Genomes Project 30x 0.04606.
gnomAD v4.1: 11,424 of 1,611,102 alleles (0.71%); highest among the groups gnomAD compares: African/African-American, 13%; 629 homozygotes.

Submissions (6):

Labcorp Genetics (formerly Invitae), Labcorp
Classification: Benign. Last evaluated: 2026-02-02. Review status: criteria provided, single submitter. Criteria: Invitae Variant Classification Sherloc (09022015). Collection method: clinical testing. Allele origin: germline.

Illumina Laboratory Services, Illumina
Classification: Likely benign for Autosomal recessive nonsyndromic hearing loss 9. Last evaluated: 2018-01-12. Review status: criteria provided, single submitter. Criteria: ICSL Variant Classification Criteria 13 December 2019. Collection method: clinical testing. Allele origin: germline.
Comment: This variant was observed in the ICSL laboratory as part of a predisposition screen in an ostensibly healthy population. It had not been previously curated by ICSL or reported in the Human Gene Mutation Database (HGMD: prior to June 1st, 2018), and was therefore a candidate for classification through an automated scoring system. Utilizing variant allele frequency, disease prevalence and penetrance estimates, and inheritance mode, an automated score was calculated to assess if this variant is too frequent to cause the disease. Based on the score and internal cut-off values, a variant classified as likely benign is not then subjected to further curation. The score for this variant resulted in a classification of likely benign for this disease.

GeneDx
Classification: Benign. Last evaluated: 2017-11-15. Review status: criteria provided, single submitter. Criteria: GeneDx Variant Classification (06012015). Collection method: clinical testing. Allele origin: germline. Affected: yes.
Comment: This variant is considered likely benign or benign based on one or more of the following criteria: it is a conservative change, it occurs at a poorly conserved position in the protein, it is predicted to be benign by multiple in silico algorithms, and/or has population frequency not consistent with disease.

Laboratory for Molecular Medicine, Mass General Brigham Personalized Medicine
Classification: Benign. Last evaluated: 2011-03-25. Review status: criteria provided, single submitter. Criteria: LMM Criteria. Collection method: clinical testing. Allele origin: germline. Observed: 44 variant alleles.
Comment: Gly943Gly in exon 23 of OTOF: This variant is not expected to have clinical sign ificance because it does not alter an amino acid residue, is not located near a splice junction, is listed in dbSNP (rs73920285- no frequency data) and has been observed in 5/240 (2%) cases.

Breakthrough Genomics
Classification: Likely benign. Review status: criteria provided, single submitter. Criteria: ACMG Guidelines, 2015. Collection method: not provided. Allele origin: germline. Inheritance: Autosomal recessive inheritance. Affected: yes.

PreventionGenetics, part of Exact Sciences
Classification: Benign. Review status: criteria provided, single submitter. Criteria: ACMG Guidelines, 2015. Collection method: clinical testing. Allele origin: germline.

Literature cited by the submitters: PubMed 20146813 (cited by Laboratory for Molecular Medicine, Mass General Brigham Personalized Medicine).

NM_194248.3(OTOF):c.2829C>T (p.Gly943=)

Gene: OTOF (otoferlin; minus strand). Cytogenetic location: 2p23.3.
Variant type: single nucleotide variant.
Coding change: c.2829C>T on transcript NM_194248.3 (MANE Select); coding-DNA position 2829, C replaced by T.
Protein change: p.Gly943=; no amino-acid change (glycine 943 retained).
Molecular consequence: synonymous variant.
Genome position (GRCh38, 1-based): chr2:26,476,165, G>A on the plus strand (C>T on the coding strand, the complement: OTOF is on the minus strand). VCF-style: chr2-26476165-G-A. GRCh37 (hg19) VCF-style: chr2-26699033-G-A.
Other names: c.2829C>T, p.Gly943= (NM_001287489.2); c.588C>T, p.Gly196= (NM_004802.4, NM_194323.3); c.759C>T, p.Gly253= (NM_194322.3).
Identifiers: ClinVar variation 48206 (VCV000048206.18), dbSNP rs73920285, ClinGen allele CA142826.
Genomic context (GRCh38, chr2:26,476,165, plus strand): 5'-TCGAGTGAGGGGTCCTCACTCACTGGTGTAGACCAGGCTGACGGGTGGGAAGGCATGCAG[G>A]CCCAGGCCCTGGGCTGCCTTGACCTCCTGGAAGCCACAGGGCAGGCCGCACAGGAACTCC-3'
Protein context (NP_919224.1, residues 933-953): FQEVKAAQGL[Gly943=]LHAFPPVSLV